The following is an entry in ClinVar:

NM_000548.5(TSC2):c.189G>T (p.Gln63His)

Gene: TSC2 (TSC complex subunit 2; plus strand). Cytogenetic location: 16p13.3.
Variant type: single nucleotide variant.
Coding change: c.189G>T on transcript NM_000548.5 (MANE Select); coding-DNA position 189, G replaced by T.
Protein change: p.Gln63His; replaces glutamine 63 with histidine.
Molecular consequence: missense variant. On other transcripts: 5 prime UTR variant (20), non-coding transcript variant (5).
Genome position (GRCh38, 1-based): chr16:2,050,450, G>T. VCF-style: chr16-2050450-G-T. GRCh37 (hg19) VCF-style: chr16-2100451-G-T.
Other names: c.189G>T, p.Gln63His (NM_001077183.3, NM_001114382.3, NM_001318827.2 and 13 more transcripts); c.42G>T, p.Gln14His (NM_001318829.2, NM_001406675.1, NM_001406676.1 and 2 more transcripts); c.-38G>T (NM_001318831.2, NM_001406682.1, NM_001406684.1 and 3 more transcripts); c.222G>T, p.Gln74His (NM_001318832.2); c.-628G>T (NM_001406680.1, NM_001406683.1, NM_001406687.1); c.-257G>T (NM_001406681.1); c.-1243G>T (NM_001406689.1, NM_001406690.1, NM_001406691.1 and 2 more transcripts); c.-1549G>T (NM_001406693.1); and 3 more; short protein forms Q14H, Q63H, Q74H.
Identifiers: ClinVar variation 3071292 (VCV003071292.3), dbSNP rs2150996416, ClinGen allele CA394303442.

ClinVar aggregate classification (germline): Uncertain significance. Review status: criteria provided, multiple submitters, no conflicts (2 of 4 stars). 2 submissions from 2 submitters: Uncertain significance (2). Last evaluated 2024-11-13.

Conditions:
Tuberous sclerosis syndrome (TSC). Also called: Tuberous Sclerosis Complex; Tuberous sclerosis. Identifiers: Orphanet 805, MedGen C0041341, MONDO:0001734.

Submissions (2):

Color Diagnostics, LLC DBA Color Health
Classification: Uncertain significance for Tuberous sclerosis syndrome. Last evaluated: 2024-11-13. Review status: criteria provided, single submitter. Criteria: ACMG Guidelines, 2015. Collection method: clinical testing. Allele origin: germline.
Comment: This missense variant replaces glutamine with histidine at codon 63 of the TSC2 protein. Computational prediction suggests that this variant may not impact protein structure and function (internally defined REVEL score threshold <= 0.5, PMID: 27666373). To our knowledge, functional studies have not been reported for this variant. This variant has not been reported in individuals affected with TSC2-related disorders in the literature. This variant has not been identified in the general population by the Genome Aggregation Database (gnomAD). The available evidence is insufficient to determine the role of this variant in disease conclusively. Therefore, this variant is classified as a Variant of Uncertain Significance.

All of Us Research Program, National Institutes of Health
Classification: Uncertain significance for Tuberous sclerosis syndrome. Last evaluated: 2024-09-24. Review status: criteria provided, single submitter. Criteria: ACMG Guidelines, 2015. Collection method: clinical testing. Allele origin: germline. Inheritance: Autosomal dominant inheritance. Observed: 1 variant allele, 1 heterozygote.
Comment: This study involves interpretation of variants in research participants for the purpose of population health screening. Participant phenotype was not available at the time of variant classification. Additional details can be found in publication PMID: 35346344, PMCID: PMC8962531